The following is an entry in ClinVar:

NM_001355436.2(SPTB):c.5052C>T (p.Arg1684=)

Gene: SPTB (spectrin beta, erythrocytic; minus strand). Cytogenetic location: 14q23.3.
Variant type: single nucleotide variant.
Coding change: c.5052C>T on transcript NM_001355436.2 (MANE Select); coding-DNA position 5052, C replaced by T.
Protein change: p.Arg1684=; no amino-acid change (arginine 1684 retained).
Molecular consequence: synonymous variant.
Genome position (GRCh38, 1-based): chr14:64,773,346, G>A on the plus strand (C>T on the coding strand, the complement: SPTB is on the minus strand). VCF-style: chr14-64773346-G-A. GRCh37 (hg19) VCF-style: chr14-65240064-G-A.
Other names: c.5052C>T, p.Arg1684= (NM_001024858.4, NM_001355437.2); c.5052C>T (NM_001024858.2).
Identifiers: ClinVar variation 313720 (VCV000313720.40), dbSNP rs229593, ClinGen allele CA7230083.

ClinVar aggregate classification (germline): Conflicting classifications of pathogenicity. Review status: criteria provided, conflicting classifications (1 of 4 stars). 4 submissions from 4 submitters: Uncertain significance (1); Benign (2); Likely benign (1). Last evaluated 2026-01-01.

Conditions:
SPTB-related disorder. Also called: SPTB-Related Disorders; SPTB-related condition.

Allele frequency attached by ClinVar (database versions not stated): 1000 Genomes Project 0.00160; gnomAD 0.00182 and 0.00197; ESP Exome Variant Server 0.00185; 1000 Genomes Project 30x 0.00203; TOPMed 0.00218.
gnomAD v4.1: 523 of 1,614,166 alleles (0.032%); highest among the groups gnomAD compares: African/African-American, 0.65%; no homozygotes.

Submissions (8):

CeGaT Center for Human Genetics Tuebingen
Classification: Likely benign. Last evaluated: 2026-01-01. Review status: criteria provided, single submitter. Criteria: CeGaT Center For Human Genetics Tuebingen Variant Classification Criteria Version 2. Collection method: clinical testing. Allele origin: germline. Affected: yes. Observed: 2 variant alleles.
Comment: SPTB: BP4, BP7

PreventionGenetics, part of Exact Sciences
Classification: Benign for SPTB-related condition. Last evaluated: 2025-10-23. Review status: criteria provided, single submitter. Criteria: ACMG Guidelines, 2015. Collection method: clinical testing. Allele origin: germline.
Comment: This variant is classified as benign based on ACMG/AMP sequence variant interpretation guidelines (Richards et al. 2015 PMID: 25741868, with internal and published modifications).

Labcorp Genetics (formerly Invitae), Labcorp
Classification: Benign. Last evaluated: 2025-10-18. Review status: criteria provided, single submitter. Criteria: Invitae Variant Classification Sherloc (09022015). Collection method: clinical testing. Allele origin: germline.

Mayo Clinic Laboratories, Mayo Clinic
Classification: Uncertain significance. Last evaluated: 2025-07-18. Review status: criteria provided, single submitter. Criteria: ACMG Guidelines, 2015. Collection method: clinical testing. Allele origin: germline. Observed: 5 variant alleles.
Comment: BP4, BP7

Dr. Peter K. Rogan Lab, Western University
No classification provided (evidence only). Condition: Familial cancer of breast. Review status: no classification provided. Collection method: in vitro. Allele origin: not applicable. Functional consequence: retained intron. Not counted in ClinVar's aggregate classification.

Dr. Peter K. Rogan Lab, Western University
No classification provided (evidence only). Condition: Familial cancer of breast. Review status: no classification provided. Collection method: in vitro. Allele origin: not applicable. Functional consequence: retained intron. Not counted in ClinVar's aggregate classification.

Dr. Peter K. Rogan Lab, Western University
No classification provided (evidence only). Condition: Uterine corpus endometrial carcinoma. Review status: no classification provided. Collection method: in vitro. Allele origin: not applicable. Functional consequence: retained intron. Not counted in ClinVar's aggregate classification.

Dr. Peter K. Rogan Lab, Western University
No classification provided (evidence only). Condition: Uterine corpus endometrial carcinoma. Review status: no classification provided. Collection method: in vitro. Allele origin: not applicable. Functional consequence: retained intron. Not counted in ClinVar's aggregate classification.